The following is an entry in ClinVar:

ClinVar aggregate classification (germline): Uncertain significance (1 of 4 stars; one submission).

Conditions:
Muscle AMP deaminase deficiency (MMDD). Also called: Myoadenylate deaminase deficiency, myopathy due to; Adenosine monophosphate deaminase 1 deficiency; AMP deaminase 1 deficiency; Adenosine Monophosphate Deaminase 1; AMPD1 DEFICIENCY; ADENOSINE MONOPHOSPHATE DEAMINASE-1 DEFICIENCY, MYOPATHY DUE TO. Identifiers: Orphanet 45, MedGen C3714933, MONDO:0014220, OMIM 615511.

Allele frequency attached by ClinVar (database versions not stated): gnomAD exomes below 0.00001.
gnomAD v4.1: 1 of 1,614,214 alleles (0.000062%); highest among the groups gnomAD compares: South Asian, 0.0011%; no homozygotes.

Submission:

Labcorp Genetics (formerly Invitae), Labcorp
Classification: Uncertain significance for Muscle AMP deaminase deficiency. Last evaluated: 2022-03-07. Review status: criteria provided, single submitter. Criteria: Invitae Variant Classification Sherloc (09022015). Collection method: clinical testing. Allele origin: germline.
Comment: In summary, the available evidence is currently insufficient to determine the role of this variant in disease. Therefore, it has been classified as a Variant of Uncertain Significance. Algorithms developed to predict the effect of missense changes on protein structure and function are either unavailable or do not agree on the potential impact of this missense change (SIFT: "Tolerated"; PolyPhen-2: "Probably Damaging"; Align-GVGD: "Class C0"). This variant has not been reported in the literature in individuals affected with AMPD1-related conditions. This variant is not present in population databases (gnomAD no frequency). This sequence change replaces serine, which is neutral and polar, with proline, which is neutral and non-polar, at codon 60 of the AMPD1 protein (p.Ser60Pro).

NM_000036.3(AMPD1):c.79T>C (p.Ser27Pro)

Gene: AMPD1 (adenosine monophosphate deaminase 1; minus strand). Cytogenetic location: 1p13.2.
Variant type: single nucleotide variant.
Coding change: c.79T>C on transcript NM_000036.3 (MANE Select); coding-DNA position 79, T replaced by C.
Protein change: p.Ser27Pro; replaces serine 27 with proline.
Molecular consequence: missense variant.
Genome position (GRCh38, 1-based): chr1:114,688,697, A>G on the plus strand (T>C on the coding strand, the complement: AMPD1 is on the minus strand). VCF-style: chr1-114688697-A-G. GRCh37 (hg19) VCF-style: chr1-115231318-A-G.
Other names: c.67T>C, p.Ser23Pro (NM_001172626.2); short protein forms S23P, S27P.
Identifiers: ClinVar variation 1970205 (VCV001970205.5), dbSNP rs2526387504, ClinGen allele CA341733995.
Genomic context (GRCh38, chr1:114,688,697, plus strand): 5'-AGATCTCATCCACATCAAAGGGGGAAATCTCCTGACGACCTCCTTCATCTTTGACTTCAG[A>G]GGCAAACACTTTTTCAGCAAAGTTGCGCATTGCATCATCAATTTCTAAAAGAGGTTTTCA-3'
Protein context (NP_000027.3, residues 17-37): MRNFAEKVFA[Ser27Pro]EVKDEGGRQE